The following is an entry in ClinVar:

NM_000257.4(MYH7):c.5157+4del

Genes: MHRT (myosin heavy chain associated RNA transcript; plus strand), MYH7 (myosin heavy chain 7; minus strand), LOC126861897 (BRD4-independent group 4 enhancer GRCh37_chr14:23884455-23885654; plus strand). Cytogenetic location: 14q11.2.
Variant type: Deletion.
Coding change: c.5157+4del on transcript NM_000257.4 (MANE Select); 4 bases into the intron after coding-DNA position 5157, one base deleted (A; older notation c.5157+4delA).
Molecular consequence: intron variant. On other transcripts: non-coding transcript variant (1).
Genome position (GRCh38, 1-based): chr14:23,415,625, T deleted on the plus strand (A on the coding strand, the reverse complement: MYH7 is on the minus strand). VCF-style (leftmost placement, unchanged base first): chr14-23415624-CT-C. GRCh37 (hg19) VCF-style: chr14-23884833-CT-C.
Other names: c.5157+4delA (NM_000257.4).
Identifiers: ClinVar variation 1745693 (VCV001745693.5), dbSNP rs755840087, ClinGen allele CA045497.

ClinVar aggregate classification (germline): Uncertain significance. Review status: criteria provided, multiple submitters, no conflicts (2 of 4 stars). 2 submissions from 2 submitters: Uncertain significance (2). Last evaluated 2025-08-27.

Conditions:
Cardiovascular phenotype. Identifiers: MedGen CN230736.
Hypertrophic cardiomyopathy. Also called: HYPERTROPHIC MYOCARDIOPATHY. Identifiers: Orphanet 217569, MedGen C0007194, MeSH D002312, MONDO:0005045, HP:0001639.

Allele frequency attached by ClinVar (database versions not stated): gnomAD exomes below 0.00001; ExAC 0.00001; gnomAD 0.00001; TOPMed 0.00002.

Submissions (2):

Labcorp Genetics (formerly Invitae), Labcorp
Classification: Uncertain significance for Hypertrophic cardiomyopathy. Last evaluated: 2025-08-27. Review status: criteria provided, single submitter. Criteria: Invitae Variant Classification Sherloc (09022015). Collection method: clinical testing. Allele origin: germline.
Comment: This sequence change falls in intron 35 of the MYH7 gene. It does not directly change the encoded amino acid sequence of the MYH7 protein. It affects a nucleotide within the consensus splice site. This variant is present in population databases (rs755840087, gnomAD 0.007%). This variant has not been reported in the literature in individuals affected with MYH7-related conditions. ClinVar contains an entry for this variant (Variation ID: 1745693). Variants that disrupt the consensus splice site are a relatively common cause of aberrant splicing (PMID: 17576681, 9536098). Algorithms developed to predict the effect of sequence changes on RNA splicing suggest that this variant may disrupt the consensus splice site. In summary, the available evidence is currently insufficient to determine the role of this variant in disease. Therefore, it has been classified as a Variant of Uncertain Significance.

Ambry Genetics
Classification: Uncertain significance for Cardiovascular phenotype. Last evaluated: 2022-01-10. Review status: criteria provided, single submitter. Criteria: Ambry Variant Classification Scheme 2023. Collection method: clinical testing. Allele origin: germline.
Comment: The c.5157+4delA intronic variant is located 4 nucleotides after coding exon 33 of the MYH7 gene. This variant results from a deletion of one nucleotide at position c.5157+4. This nucleotide position is well conserved in available vertebrate species. In silico splice site analysis predicts that this alteration will result in the creation or strengthening of a novel splice donor site. Since supporting evidence is limited at this time, the clinical significance of this alteration remains unclear.

Literature cited by the submitters: PubMed 17576681 (cited by Labcorp Genetics (formerly Invitae), Labcorp); PubMed 9536098 (cited by Labcorp Genetics (formerly Invitae), Labcorp).